The following is an entry in ClinVar:

ClinVar aggregate classification (germline): Uncertain significance (1 of 4 stars; one submission).

Conditions:
Charcot-Marie-Tooth disease type 2. Also called: Charcot-Marie-Tooth type 2. Identifiers: Orphanet 64746, MedGen C0270914, MONDO:0018993.

Submission:

Labcorp Genetics (formerly Invitae), Labcorp
Classification: Uncertain significance for Charcot-Marie-Tooth disease type 2. Last evaluated: 2022-04-18. Review status: criteria provided, single submitter. Criteria: Invitae Variant Classification Sherloc (09022015). Collection method: clinical testing. Allele origin: germline.
Comment: In summary, the available evidence is currently insufficient to determine the role of this variant in disease. Therefore, it has been classified as a Variant of Uncertain Significance. Algorithms developed to predict the effect of missense changes on protein structure and function are either unavailable or do not agree on the potential impact of this missense change (SIFT: "Deleterious"; PolyPhen-2: "Possibly Damaging"; Align-GVGD: "Class C0"). This variant has not been reported in the literature in individuals affected with MED25-related conditions. This variant is not present in population databases (gnomAD no frequency). This sequence change replaces glycine, which is neutral and non-polar, with arginine, which is basic and polar, at codon 49 of the MED25 protein (p.Gly49Arg).

NM_030973.4(MED25):c.145G>C (p.Gly49Arg)

Gene: MED25 (mediator complex subunit 25; plus strand). Cytogenetic location: 19q13.33.
Variant type: single nucleotide variant.
Coding change: c.145G>C on transcript NM_030973.4 (MANE Select); coding-DNA position 145, G replaced by C.
Protein change: p.Gly49Arg; replaces glycine 49 with arginine.
Molecular consequence: missense variant.
Genome position (GRCh38, 1-based): chr19:49,818,581, G>C. VCF-style: chr19-49818581-G-C. GRCh37 (hg19) VCF-style: chr19-50321838-G-C.
Other names: c.145G>C, p.Gly49Arg (NM_001378355.1); short protein forms G49R.
Identifiers: ClinVar variation 2053676 (VCV002053676.4), dbSNP rs780112917, ClinGen allele CA406908825.